The following is an entry in ClinVar:

ClinVar aggregate classification (germline): Conflicting classifications of pathogenicity. Review status: criteria provided, conflicting classifications (1 of 4 stars). 2 submissions from 2 submitters: Likely pathogenic (1); Uncertain significance (1). Last evaluated 2024-05-20.

Conditions:
Neurodevelopmental disorder with microcephaly, seizures, and cortical atrophy. Identifiers: MedGen C4540493, MONDO:0060621, OMIM 617802.

Allele frequency attached by ClinVar (database versions not stated): ExAC 0.00003; gnomAD 0.00003; gnomAD exomes 0.00002.
gnomAD v4.1: 29 of 1,612,896 alleles (0.0018%); highest among the groups gnomAD compares: African/African-American, 0.004%; no homozygotes.

Submissions (2):

Broad Center for Mendelian Genomics, Broad Institute of MIT and Harvard
Classification: Uncertain significance for Neurodevelopmental disorder with microcephaly, seizures, and cortical atrophy. Last evaluated: 2024-05-20. Review status: criteria provided, single submitter. Criteria: ACMG Guidelines, 2015. Collection method: curation. Allele origin: germline. Inheritance: Autosomal recessive inheritance.
Comment: The variant has been identified in 0.005% (3/62904) of European (non-Finnish) chromosomes by the Genome Aggregation Database (gnomAD; dbSNP (rs777665186)). Although this variant has been seen in the general population in a heterozygous state, its frequency is not high enough to rule out a pathogenic role. Computational prediction tools and conservation analyses do not provide strong support for or against an impact to the protein. The number of missense variants reported in VARS1 in the general population is lower than expected, suggesting there is little benign variation in this gene and slightly increasing the possibility that a missense variant in this gene may not be tolerated. In summary, the clinical significance of the p.Thr1068Met variant is uncertain. ACMG/AMP Criteria applied: PM2_Supporting, PP2 (Richards 2015).

Juno Genomics, Hangzhou Juno Genomics, Inc
Classification: Likely pathogenic for Neurodevelopmental disorder with microcephaly, seizures, and cortical atrophy. Review status: criteria provided, single submitter. Criteria: ACMG Guidelines, 2015. Collection method: clinical testing. Allele origin: germline. Affected: yes.
Comment: Absent from controls (or at extremely low frequency if recessive) in Genome Aggregation Database, Exome Sequencing Project, 1000 Genomes Project, or Exome Aggregation Consortium.;For recessive disorders, detected in trans with a pathogenic variant.;Co-segregation with disease in multiple affected family members in a gene definitively known to cause the disease.;Patient's phenotype or family history is highly specific for a disease with a single genetic etiology.;Located in a mutational hot spot and/or critical and well-established functional domain (e.g. active site of an enzyme) without benign variation.

NM_006295.3(VARS1):c.3203C>T (p.Thr1068Met)

Gene: VARS1 (valyl-tRNA synthetase 1; minus strand). Cytogenetic location: 6p21.33.
Variant type: single nucleotide variant.
Coding change: c.3203C>T on transcript NM_006295.3 (MANE Select); coding-DNA position 3203, C replaced by T.
Protein change: p.Thr1068Met; replaces threonine 1068 with methionine.
Molecular consequence: missense variant.
Genome position (GRCh38, 1-based): chr6:31,779,693, G>A on the plus strand (C>T on the coding strand, the complement: VARS1 is on the minus strand). VCF-style: chr6-31779693-G-A. GRCh37 (hg19) VCF-style: chr6-31747470-G-A.
Other names: NM_006295.3:c.3203C>T; short protein forms T1068M.
Identifiers: ClinVar variation 3236664 (VCV003236664.4), dbSNP rs777665186, ClinGen allele CA3722748.